The following is an entry in ClinVar:

NM_031272.5(TEX14):c.2303G>A (p.Arg768His)

Gene: TEX14 (testis expressed 14, intercellular bridge forming factor; minus strand). Cytogenetic location: 17q22.
Variant type: single nucleotide variant.
Coding change: c.2303G>A on transcript NM_031272.5 (MANE Select); coding-DNA position 2303, G replaced by A.
Protein change: p.Arg768His; replaces arginine 768 with histidine.
Molecular consequence: missense variant.
Genome position (GRCh38, 1-based): chr17:58,599,042, C>T on the plus strand (G>A on the coding strand, the complement: TEX14 is on the minus strand). VCF-style: chr17-58599042-C-T. GRCh37 (hg19) VCF-style: chr17-56676403-C-T.
Other names: c.2321G>A, p.Arg774His (NM_001201457.2); c.2303G>A, p.Arg768His (NM_198393.4); short protein forms R768H, R774H.
Identifiers: ClinVar variation 2515044 (VCV002515044.26), dbSNP rs202219643, ClinGen allele CA8676182.

ClinVar aggregate classification (germline): Conflicting classifications of pathogenicity. Review status: criteria provided, conflicting classifications (1 of 4 stars). 2 submissions from 2 submitters: Uncertain significance (1); Likely benign (1). Last evaluated 2023-07-01.

Allele frequency attached by ClinVar (database versions not stated): gnomAD 0.00003; ExAC 0.00004; 1000 Genomes Project 30x 0.00016; 1000 Genomes Project 0.00020.
gnomAD v4.1: 42 of 1,614,142 alleles (0.0026%); highest among the groups gnomAD compares: Admixed American, 0.028%; no homozygotes.

Submissions (2):

CeGaT Center for Human Genetics Tuebingen
Classification: Uncertain significance. Last evaluated: 2023-07-01. Review status: criteria provided, single submitter. Criteria: CeGaT Center For Human Genetics Tuebingen Variant Classification Criteria Version 2. Collection method: clinical testing. Allele origin: germline. Affected: yes. Observed: 1 variant allele.
Comment: TEX14: PM2:Supporting, BP4

Ambry Genetics
Classification: Likely benign. Last evaluated: 2023-03-20. Review status: criteria provided, single submitter. Criteria: Ambry Variant Classification Scheme 2023. Collection method: clinical testing. Allele origin: germline.